The following is an entry in ClinVar:

ClinVar aggregate classification (germline): Uncertain significance (1 of 4 stars; one submission).

gnomAD v4.1: 1 of 1,608,304 alleles (0.000062%); no homozygotes.

Submission:

Labcorp Genetics (formerly Invitae), Labcorp
Classification: Uncertain significance. Last evaluated: 2025-07-21. Review status: criteria provided, single submitter. Criteria: Invitae Variant Classification Sherloc (09022015). Collection method: clinical testing. Allele origin: germline.
Comment: This sequence change replaces glutamine, which is neutral and polar, with histidine, which is basic and polar, at codon 785 of the OPA1 protein (p.Gln785His). This variant also falls at the last nucleotide of exon 23, which is part of the consensus splice site for this exon. This variant is not present in population databases (gnomAD no frequency). This missense change has been observed in individual(s) with OPA1-related conditions (internal data). An algorithm developed to predict the effect of missense changes on protein structure and function (PolyPhen-2) suggests that this variant is likely to be tolerated. Variants that disrupt the consensus splice site are a relatively common cause of aberrant splicing (PMID: 17576681, 9536098). Algorithms developed to predict the effect of sequence changes on RNA splicing suggest that this variant may disrupt the consensus splice site. In summary, the available evidence is currently insufficient to determine the role of this variant in disease. Therefore, it has been classified as a Variant of Uncertain Significance.

Literature cited by the submitters: PubMed 17576681; PubMed 9536098.

NM_130837.3(OPA1):c.2520G>C (p.Gln840His)

Gene: OPA1 (OPA1 mitochondrial dynamin like GTPase; plus strand). Cytogenetic location: 3q29.
Variant type: single nucleotide variant.
Coding change: c.2520G>C on transcript NM_130837.3 (MANE Select); coding-DNA position 2520, G replaced by C.
Protein change: p.Gln840His; replaces glutamine 840 with histidine.
Molecular consequence: missense variant.
Genome position (GRCh38, 1-based): chr3:193,659,561, G>C. VCF-style: chr3-193659561-G-C. GRCh37 (hg19) VCF-style: chr3-193377350-G-C.
Other names: c.1986G>C, p.Gln662His (NM_001354663.2); c.1983G>C, p.Gln661His (NM_001354664.2); c.2355G>C, p.Gln785His (NM_015560.3); c.2247G>C, p.Gln749His (NM_130831.3); c.2301G>C, p.Gln767His (NM_130832.3); c.2358G>C, p.Gln786His (NM_130833.3); c.2409G>C, p.Gln803His (NM_130834.3); c.2412G>C, p.Gln804His (NM_130835.3); and 1 more; short protein forms Q661H, Q804H, Q749H, Q767H, Q785H, Q822H, Q662H, Q803H.
Identifiers: ClinVar variation 4723310 (VCV004723310.1).